The following is an entry in ClinVar:

ClinVar aggregate classification (germline): Conflicting classifications of pathogenicity. Review status: criteria provided, conflicting classifications (1 of 4 stars). 5 submissions from 5 submitters: Uncertain significance (2); Likely benign (3). Last evaluated 2026-05-27.

Conditions:
KIF1A-related disorder. Also called: KIF1A-related disorders; KIF1A-related condition.
Inborn genetic diseases. Identifiers: MedGen C0950123, MeSH D030342.
Neuropathy, hereditary sensory, type 2C. Also called: KIF1A-Related HSAN2 (HSAN2C); Hereditary sensory and autonomic neuropathy type IIC. Identifiers: Orphanet 970, MedGen C3280168, MONDO:0013634, OMIM 614213.
Intellectual disability, autosomal dominant 9 (NESCAVS). Also called: KIF1A-Related Neurodevelopmental Disorder; NESCAV SYNDROME. Identifiers: Orphanet 662367, MedGen C5393830, MONDO:0013656, OMIM 614255.
Hereditary spastic paraplegia 30. Identifiers: Orphanet 101010, MedGen C5235139, MONDO:0012476.

Allele frequency attached by ClinVar (database versions not stated): gnomAD 0.00002; gnomAD exomes 0.00005 and 0.00025; TOPMed 0.00014; ExAC 0.00023.
gnomAD v4.1: 78 of 1,613,778 alleles (0.0048%); highest among the groups gnomAD compares: Admixed American, 0.11%; no homozygotes.

Submissions (5):

PreventionGenetics, part of Exact Sciences
Classification: Likely benign for KIF1A-related condition. Last evaluated: 2026-05-27. Review status: criteria provided, single submitter. Criteria: ACMG Guidelines, 2015. Collection method: clinical testing. Allele origin: germline.
Comment: This variant is classified as likely benign based on ACMG/AMP sequence variant interpretation guidelines (Richards et al. 2015 PMID: 25741868, with internal and published modifications).

Labcorp Genetics (formerly Invitae), Labcorp
Classification: Likely benign for Hereditary spastic paraplegia 30; Neuropathy, hereditary sensory, type 2C; Intellectual disability, autosomal dominant 9. Last evaluated: 2026-01-27. Review status: criteria provided, single submitter. Criteria: Invitae Variant Classification Sherloc (09022015). Collection method: clinical testing. Allele origin: germline.

GeneDx
Classification: Uncertain significance. Last evaluated: 2020-12-02. Review status: criteria provided, single submitter. Criteria: GeneDx Variant Classification Process June 2021. Collection method: clinical testing. Allele origin: germline. Affected: yes.
Comment: Has not been previously published as pathogenic or benign to our knowledge; In silico analysis suggests this variant may impact gene splicing. In the absence of RNA/functional studies, the actual effect of this sequence change is unknown.

ARUP Laboratories, Molecular Genetics and Genomics, ARUP Laboratories
Classification: Uncertain significance. Last evaluated: 2018-04-26. Review status: criteria provided, single submitter. Criteria: ARUP Molecular Germline Variant Investigation Process. Collection method: clinical testing. Allele origin: germline.
Comment: The c.2631C>T; p.Gly877Gly variant (rs751977290) does not alter the amino acid sequence of the KIF1A protein; however, computational splice site prediction algorithms predict that this variant may create a cryptic splice donor site in exon 25, although no experimental data has been published to confirm or refute this prediction. This variant is listed in the genome Aggregation Database (gnomAD) with a Latino population frequency of 0.2% (identified on 56 out of 34,404 chromosomes). Based on the available information, the clinical significance of the c.2631C>T variant cannot be determined with certainty.

Ambry Genetics
Classification: Likely benign for Inborn genetic diseases. Last evaluated: 2016-10-17. Review status: criteria provided, single submitter. Criteria: Ambry Variant Classification Scheme 2023. Collection method: clinical testing. Allele origin: germline.

NM_001244008.2(KIF1A):c.2934C>T (p.Gly978=)

Gene: KIF1A (kinesin family member 1A; minus strand). Cytogenetic location: 2q37.3.
Variant type: single nucleotide variant.
Coding change: c.2934C>T on transcript NM_001244008.2 (MANE Select); coding-DNA position 2934, C replaced by T.
Protein change: p.Gly978=; no amino-acid change (glycine 978 retained).
Molecular consequence: synonymous variant.
Genome position (GRCh38, 1-based): chr2:240,750,472, G>A on the plus strand (C>T on the coding strand, the complement: KIF1A is on the minus strand). VCF-style: chr2-240750472-G-A. GRCh37 (hg19) VCF-style: chr2-241689889-G-A.
Other names: c.2658C>T, p.Gly886= (NM_001320705.2, NM_001330289.2, NM_001379638.1); c.2733C>T, p.Gly911= (NM_001330290.2, NM_001379634.1, NM_001379635.1 and 1 more transcripts); c.3009C>T, p.Gly1003= (NM_001379631.1); c.2883C>T, p.Gly961= (NM_001379632.1); c.2934C>T (NM_001244008.1); c.2907C>T, p.Gly969= (NM_001379633.1, NM_001379642.1, NM_001379645.1); c.2631C>T, p.Gly877= (NM_001379636.1, NM_001379639.1, NM_001379640.1 and 6 more transcripts); c.2706C>T, p.Gly902= (NM_001379637.1, NM_001379648.1).
Identifiers: ClinVar variation 589433 (VCV000589433.26), dbSNP rs751977290, ClinGen allele CA2207980.